The following is an entry in ClinVar:

ClinVar aggregate classification (germline): Uncertain significance (1 of 4 stars; one submission).

gnomAD v4.1: 4 of 1,614,240 alleles (0.00025%); highest among the groups gnomAD compares: Admixed American, 0.005%; no homozygotes.

Submission:

Ambry Genetics
Classification: Uncertain significance. Last evaluated: 2026-04-22. Review status: criteria provided, single submitter. Criteria: Ambry Variant Classification Scheme 2023. Collection method: clinical testing. Allele origin: germline.
Comment: The c.2752G>A (p.E918K) alteration is located in exon 9 (coding exon 8) of the CILP gene. This alteration results from a G to A substitution at nucleotide position 2752, causing the glutamic acid (E) at amino acid position 918 to be replaced by a lysine (K). Based on data from gnomAD, the A allele has an overall frequency of 0.001% (3/251474) total alleles studied. The highest observed frequency was 0.009% (3/34588) of Latino alleles. Based on insufficient or conflicting evidence, the clinical significance of this alteration remains unclear.

NM_003613.4(CILP):c.2752G>A (p.Glu918Lys)

Gene: CILP (cartilage intermediate layer protein; minus strand). Cytogenetic location: 15q22.31.
Variant type: single nucleotide variant.
Coding change: c.2752G>A on transcript NM_003613.4 (MANE Select); coding-DNA position 2752, G replaced by A.
Protein change: p.Glu918Lys; replaces glutamic acid 918 with lysine.
Molecular consequence: missense variant.
Genome position (GRCh38, 1-based): chr15:65,197,534, C>T on the plus strand (G>A on the coding strand, the complement: CILP is on the minus strand). VCF-style: chr15-65197534-C-T. GRCh37 (hg19) VCF-style: chr15-65489872-C-T.
Other names: short protein forms E918K.
Identifiers: ClinVar variation 4868982 (VCV004868982.1).